The following is an entry in ClinVar:

ClinVar aggregate classification (germline): Uncertain significance (0 of 4 stars; one submission).

Conditions:
RBFOX3-related disorder. Also called: RBFOX3-related condition.

gnomAD v4.1: 1 of 1,475,340 alleles (0.000068%); highest among the groups gnomAD compares: Non-Finnish European, 0.000089%; no homozygotes.

Submission:

PreventionGenetics, part of Exact Sciences
Classification: Uncertain significance for RBFOX3-related condition. Last evaluated: 2024-03-13. Review status: no assertion criteria provided. Collection method: clinical testing. Allele origin: germline.
Comment: The RBFOX3 c.358G>C variant is predicted to result in the amino acid substitution p.Gly120Arg. To our knowledge, this variant has not been reported in the literature or in a large population database, indicating this variant is rare. At this time, the clinical significance of this variant is uncertain due to the absence of conclusive functional and genetic evidence.

NM_001350451.2(RBFOX3):c.358G>C (p.Gly120Arg)

Gene: RBFOX3 (RNA binding fox-1 homolog 3; minus strand). Cytogenetic location: 17q25.3.
Variant type: single nucleotide variant.
Coding change: c.358G>C on transcript NM_001350451.2 (MANE Select); coding-DNA position 358, G replaced by C.
Protein change: p.Gly120Arg; replaces glycine 120 with arginine.
Molecular consequence: missense variant.
Genome position (GRCh38, 1-based): chr17:79,106,653, C>G on the plus strand (G>C on the coding strand, the complement: RBFOX3 is on the minus strand). VCF-style: chr17-79106653-C-G. GRCh37 (hg19) VCF-style: chr17-77102735-C-G.
Other names: c.358G>C, p.Gly120Arg (NM_001082575.3, NM_001350453.2, NM_001385804.1 and 36 more transcripts); c.355G>C, p.Gly119Arg (NM_001385806.1, NM_001385822.1, NM_001385823.1 and 4 more transcripts); short protein forms G119R, G120R.
Identifiers: ClinVar variation 3349877 (VCV003349877.1).